The following is an entry in ClinVar:

ClinVar aggregate classification (germline): Benign/Likely benign. Review status: criteria provided, multiple submitters, no conflicts (2 of 4 stars). 4 submissions from 4 submitters: Benign (1); Likely benign (1). 2 of the submissions do not count toward it. Last evaluated 2022-03-01.

Allele frequency attached by ClinVar (database versions not stated): TOPMed 0.00048; gnomAD 0.00051 and 0.00052; ESP Exome Variant Server 0.00123.
gnomAD v4.1: 961 of 1,208,248 alleles (0.08%); highest among the groups gnomAD compares: Non-Finnish European, 0.1%; 1 homozygote.

Submissions (4):

CeGaT Center for Human Genetics Tuebingen
Classification: Likely benign. Last evaluated: 2022-03-01. Review status: criteria provided, single submitter. Criteria: CeGaT Center For Human Genetics Tuebingen Variant Classification Criteria Version 2. Collection method: clinical testing. Allele origin: germline. Affected: yes. Observed: 1 variant allele.
Comment: ZDHHC15: BP4, BS2

Genomic Diagnostic Laboratory, Division of Genomic Diagnostics, Children's Hospital of Philadelphia
Classification: Benign. Last evaluated: 2015-08-24. Review status: criteria provided, single submitter. Criteria: DGD Variant Analysis Guidelines. Collection method: clinical testing. Allele origin: unknown.

Clinical Genetics DNA and cytogenetics Diagnostics Lab, Erasmus MC, Erasmus Medical Center
Classification: Likely benign. Review status: no assertion criteria provided. Collection method: clinical testing. Allele origin: germline. Affected: yes. Study: VKGL Data-share Consensus. Not counted in ClinVar's aggregate classification.

Genome Diagnostics Laboratory, University Medical Center Utrecht
Classification: Benign. Review status: no assertion criteria provided. Collection method: clinical testing. Allele origin: germline. Affected: yes. Study: VKGL Data-share Consensus. Not counted in ClinVar's aggregate classification.

NM_144969.3(ZDHHC15):c.831G>C (p.Lys277Asn)

Gene: ZDHHC15 (zDHHC palmitoyltransferase 15; minus strand). Cytogenetic location: Xq13.3.
Variant type: single nucleotide variant.
Coding change: c.831G>C on transcript NM_144969.3 (MANE Select); coding-DNA position 831, G replaced by C.
Protein change: p.Lys277Asn; replaces lysine 277 with asparagine.
Molecular consequence: missense variant.
Genome position (GRCh38, 1-based): chrX:75,421,896, C>G on the plus strand (G>C on the coding strand, the complement: ZDHHC15 is on the minus strand). VCF-style: chrX-75421896-C-G. GRCh37 (hg19) VCF-style: chrX-74641731-C-G.
Other names: c.804G>C, p.Lys268Asn (NM_001146256.2); short protein forms K277N, K268N.
Identifiers: ClinVar variation 252786 (VCV000252786.28), dbSNP rs145401990, ClinGen allele CA10455861.